The following is an entry in ClinVar:

NM_004972.4(JAK2):c.936+5T>A

Genes: INSL6 (insulin like 6; minus strand), JAK2 (Janus kinase 2; plus strand). Cytogenetic location: 9p24.1.
Variant type: single nucleotide variant.
Coding change: c.936+5T>A on transcript NM_004972.4 (MANE Select); 5 bases into the intron after coding-DNA position 936, T replaced by A.
Molecular consequence: intron variant.
Genome position (GRCh38, 1-based): chr9:5,054,889, T>A. VCF-style: chr9-5054889-T-A. GRCh37 (hg19) VCF-style: chr9-5054889-T-A.
Other names: c.936+5T>A (NM_001322194.2, NM_001322195.2, NM_001322196.2); c.-280+100T>A (NM_001322198.2, NM_001322199.2); c.489+5T>A (NM_001322204.2).
Identifiers: ClinVar variation 4700351 (VCV004700351.2).

ClinVar aggregate classification (germline): Conflicting classifications of pathogenicity. Review status: criteria provided, conflicting classifications (1 of 4 stars). 2 submissions from 2 submitters: Uncertain significance (1); Likely benign (1). Last evaluated 2025-08-19.

gnomAD v4.1: 1 of 1,555,690 alleles (0.000064%); highest among the groups gnomAD compares: Admixed American, 0.0019%; no homozygotes.

Submissions (2):

Labcorp Genetics (formerly Invitae), Labcorp
Classification: Uncertain significance. Last evaluated: 2025-08-19. Review status: criteria provided, single submitter. Criteria: Invitae Variant Classification Sherloc (09022015). Collection method: clinical testing. Allele origin: germline.
Comment: This sequence change falls in intron 7 of the JAK2 gene. It does not directly change the encoded amino acid sequence of the JAK2 protein. It affects a nucleotide within the consensus splice site. This variant is present in population databases (no rsID available, gnomAD 0.008%). This variant has not been reported in the literature in individuals affected with JAK2-related conditions. Variants that disrupt the consensus splice site are a relatively common cause of aberrant splicing (PMID: 17576681, 9536098). Algorithms developed to predict the effect of sequence changes on RNA splicing suggest that this variant is not likely to affect RNA splicing. In summary, the available evidence is currently insufficient to determine the role of this variant in disease. Therefore, it has been classified as a Variant of Uncertain Significance.

Blueprint Genetics
Classification: Likely benign. Last evaluated: 2020-10-21. Review status: criteria provided, single submitter. Criteria: ACMG Guidelines, 2015. Collection method: clinical testing. Allele origin: germline.

Literature cited by the submitters: PubMed 17576681 (cited by Labcorp Genetics (formerly Invitae), Labcorp); PubMed 9536098 (cited by Labcorp Genetics (formerly Invitae), Labcorp).